The following is an entry in ClinVar:

ClinVar aggregate classification (germline): Likely benign. Review status: criteria provided, single submitter (1 of 4 stars). 2 submissions from 2 submitters: Likely benign (1). 1 of the submissions does not count toward it. Last evaluated 2018-04-23.

Conditions:
TCOF1-related disorder. Also called: TCOF1-related condition.

Allele frequency attached by ClinVar (database versions not stated): gnomAD exomes below 0.00001; TOPMed below 0.00001; ExAC 0.00001; gnomAD 0.00001.
gnomAD v4.1: 5 of 1,614,122 alleles (0.00031%); highest among the groups gnomAD compares: Non-Finnish European, 0.00042%; no homozygotes.

Submissions (2):

Labcorp Genetics (formerly Invitae), Labcorp
Classification: Likely benign. Last evaluated: 2018-04-23. Review status: criteria provided, single submitter. Criteria: Invitae Variant Classification Sherloc (09022015). Collection method: clinical testing. Allele origin: germline.

PreventionGenetics, part of Exact Sciences
Classification: Likely benign for TCOF1-related condition. Last evaluated: 2022-01-27. Review status: no assertion criteria provided. Collection method: clinical testing. Allele origin: germline. Not counted in ClinVar's aggregate classification.
Comment: This variant is classified as likely benign based on ACMG/AMP sequence variant interpretation guidelines (Richards et al. 2015 PMID: 25741868, with internal and published modifications).

NM_001371623.1(TCOF1):c.723C>A (p.Ala241=)

Gene: TCOF1 (treacle ribosome biogenesis factor 1; plus strand). Cytogenetic location: 5q32.
Variant type: single nucleotide variant.
Coding change: c.723C>A on transcript NM_001371623.1 (MANE Select); coding-DNA position 723, C replaced by A.
Protein change: p.Ala241=; no amino-acid change (alanine 241 retained).
Molecular consequence: synonymous variant. On other transcripts: intron variant (2).
Genome position (GRCh38, 1-based): chr5:150,372,089, C>A. VCF-style: chr5-150372089-C-A. GRCh37 (hg19) VCF-style: chr5-149751652-C-A.
Other names: c.723C>A, p.Ala241= (NM_001008657.3, NM_001135243.2, NM_001135244.2 and 1 more transcripts); c.640-2085C>A (NM_001135245.2, NM_000356.4).
Identifiers: ClinVar variation 740964 (VCV000740964.5), dbSNP rs763497947, ClinGen allele CA3510653.
Genomic context (GRCh38, chr5:150,372,089, plus strand): 5'-CCAGGTCAAAGCCTCATCAGTTTCTACTAAGGAGTCTCCAGCAAGAAAGGCGGCCCCAGC[C>A]CCTGGGAAGGTGGGGGATGTGACACCCCAGGTCAAAGGAGGGGCCCTGCCCCCAGCCAAG-3'
Protein context (NP_001358552.1, residues 231-251): KESPARKAAP[Ala241=]PGKVGDVTPQ